The following is an entry in ClinVar:

NM_001199397.3(NEK1):c.2584A>G (p.Ser862Gly)

Gene: NEK1 (NIMA related kinase 1; minus strand). Cytogenetic location: 4q33.
Variant type: single nucleotide variant.
Coding change: c.2584A>G on transcript NM_001199397.3 (MANE Select); coding-DNA position 2584, A replaced by G.
Protein change: p.Ser862Gly; replaces serine 862 with glycine.
Molecular consequence: missense variant. On other transcripts: non-coding transcript variant (1).
Genome position (GRCh38, 1-based): chr4:169,463,246, T>C on the plus strand (A>G on the coding strand, the complement: NEK1 is on the minus strand). VCF-style: chr4-169463246-T-C. GRCh37 (hg19) VCF-style: chr4-170384397-T-C.
Other names: c.2452A>G, p.Ser818Gly (NM_001199398.3); c.2293A>G, p.Ser765Gly (NM_001199399.3); c.2368A>G, p.Ser790Gly (NM_001199400.3); c.2584A>G, p.Ser862Gly (NM_001374418.1); c.2500A>G, p.Ser834Gly (NM_001374419.1, NM_012224.4); c.2449A>G, p.Ser817Gly (NM_001374420.1); c.2278A>G, p.Ser760Gly (NM_001374421.1); c.2500A>G (NM_012224.2); short protein forms S760G, S765G, S790G, S817G, S818G, S834G, S862G.
Identifiers: ClinVar variation 2428677 (VCV002428677.5), dbSNP rs376630399, ClinGen allele CA3137380.
Genomic context (GRCh38, chr4:169,463,246, plus strand): 5'-AATTAGATTTTTAATAATATTACTTCTAGTATAGAAAAACTACCAGTTTCTCCTTACCAC[T>C]TCTAATAGTTGTATTTTCTAATAGTTCTGTCTGAAGTTGTAGTTCAGCTTCTCCAAGTAT-3'
Protein context (NP_001186326.1, residues 852-872): TELLENTTIR[Ser862Gly]EISPEGEKYK

ClinVar aggregate classification (germline): Uncertain significance. Review status: criteria provided, single submitter (1 of 4 stars). 2 submissions from 2 submitters: Uncertain significance (1). 1 of the submissions does not count toward it. Last evaluated 2022-04-28.

Conditions:
NEK1-related disorder. Also called: NEK1-related condition.

Allele frequency attached by ClinVar (database versions not stated): gnomAD exomes below 0.00001; ExAC 0.00003; ESP Exome Variant Server 0.00009; TOPMed 0.00009; gnomAD 0.00010; 1000 Genomes Project 30x 0.00016; 1000 Genomes Project 0.00020.
gnomAD v4.1: 21 of 1,550,194 alleles (0.0014%); highest among the groups gnomAD compares: African/African-American, 0.027%; no homozygotes.

Submissions (2):

ARUP Laboratories, Molecular Genetics and Genomics, ARUP Laboratories
Classification: Uncertain significance. Last evaluated: 2022-04-28. Review status: criteria provided, single submitter. Criteria: ARUP Molecular Germline Variant Investigation Process 2021. Collection method: clinical testing. Allele origin: germline.
Comment: The NEK1 c.2500A>G; p.Ser834Gly variant (rs376630399), to our knowledge, is not reported in the medical literature or gene specific databases. This variant is found in the African/African-American population with an allele frequency of 0.03% (6/228,54 alleles) in the Genome Aggregation Database. The serine at codon 834 is moderately conserved, but computational analyses predict that this variant is neutral (REVEL: 0.063). Due to limited information, the clinical significance of the p.Ser834Gly variant is uncertain at this time.

PreventionGenetics, part of Exact Sciences
Classification: Uncertain significance for NEK1-related condition. Last evaluated: 2023-12-07. Review status: no assertion criteria provided. Collection method: clinical testing. Allele origin: germline. Not counted in ClinVar's aggregate classification.
Comment: The NEK1 c.2500A>G variant is predicted to result in the amino acid substitution p.Ser834Gly. To our knowledge, this variant has not been reported in the literature. This variant is reported in 0.026% of alleles in individuals of African descent in gnomAD. At this time, the clinical significance of this variant is uncertain due to the absence of conclusive functional and genetic evidence.